The following is an entry in ClinVar:

NM_021961.6(TEAD1):c.465+8A>G

Gene: TEAD1 (TEA domain transcription factor 1; plus strand). Cytogenetic location: 11p15.3.
Variant type: single nucleotide variant.
Coding change: c.465+8A>G on transcript NM_021961.6 (MANE Select); 8 bases into the intron after coding-DNA position 465, A replaced by G.
Molecular consequence: intron variant.
Genome position (GRCh38, 1-based): chr11:12,879,850, A>G. VCF-style: chr11-12879850-A-G. GRCh37 (hg19) VCF-style: chr11-12901397-A-G.
Other names: c.465+8A>G (NM_021961.5).
Identifiers: ClinVar variation 1140277 (VCV001140277.12), dbSNP rs199752430, ClinGen allele CA5891602.
Genomic context (GRCh38, chr11:12,879,850, plus strand): 5'-ACAAGCTGGGGCTGCCTGGGATTCCACGCCCGACCTTCCCAGGGGCGCCGGGGGTAAGTC[A>G]TGAGCTCAGTCCAGTAATGACAGCTGCTGGGGTTGGGGTTGGCATGTGCCAGTGTTAAGC-3'

ClinVar aggregate classification (germline): Likely benign. Review status: criteria provided, multiple submitters, no conflicts (2 of 4 stars). 3 submissions from 3 submitters: Likely benign (2). 1 of the submissions does not count toward it. Last evaluated 2026-01-26.

Conditions:
TEAD1-related disorder. Also called: TEAD1-related condition.

Allele frequency attached by ClinVar (database versions not stated): ESP Exome Variant Server 0.00023; ExAC 0.00024; gnomAD exomes 0.00026 and 0.00068.
gnomAD v4.1: 1,060 of 1,612,828 alleles (0.066%); highest among the groups gnomAD compares: Non-Finnish European, 0.084%; 1 homozygote.

Submissions (3):

Labcorp Genetics (formerly Invitae), Labcorp
Classification: Likely benign. Last evaluated: 2026-01-26. Review status: criteria provided, single submitter. Criteria: Invitae Variant Classification Sherloc (09022015). Collection method: clinical testing. Allele origin: germline.

Blueprint Genetics
Classification: Likely benign. Last evaluated: 2024-09-05. Review status: criteria provided, single submitter. Criteria: ACMG Guidelines, 2015. Collection method: clinical testing. Allele origin: germline.

PreventionGenetics, part of Exact Sciences
Classification: Likely benign for TEAD1-related condition. Last evaluated: 2020-02-25. Review status: no assertion criteria provided. Collection method: clinical testing. Allele origin: germline. Not counted in ClinVar's aggregate classification.
Comment: This variant is classified as likely benign based on ACMG/AMP sequence variant interpretation guidelines (Richards et al. 2015 PMID: 25741868, with internal and published modifications).